The following is an entry in ClinVar:

NM_001267727.2(ARSG):c.391G>A (p.Val131Ile)

Gene: ARSG (arylsulfatase G; plus strand). Cytogenetic location: 17q24.2.
Variant type: single nucleotide variant.
Coding change: c.391G>A on transcript NM_001267727.2 (MANE Select); coding-DNA position 391, G replaced by A.
Protein change: p.Val131Ile; replaces valine 131 with isoleucine.
Molecular consequence: missense variant.
Genome position (GRCh38, 1-based): chr17:68,343,776, G>A. VCF-style: chr17-68343776-G-A. GRCh37 (hg19) VCF-style: chr17-66339917-G-A.
Other names: c.391G>A, p.Val131Ile (NM_001352899.2, NM_001352900.2, NM_001352901.2 and 9 more transcripts); short protein forms V131I.
Identifiers: ClinVar variation 957348 (VCV000957348.8), dbSNP rs778128173, ClinGen allele CA8728176.

ClinVar aggregate classification (germline): Uncertain significance (1 of 4 stars; one submission).

Allele frequency attached by ClinVar (database versions not stated): ExAC 0.00002; gnomAD exomes 0.00002; gnomAD 0.00003 and 0.00004; TOPMed 0.00003.
gnomAD v4.1: 34 of 1,613,070 alleles (0.0021%); highest among the groups gnomAD compares: East Asian, 0.011%; no homozygotes.

Submission:

Labcorp Genetics (formerly Invitae), Labcorp
Classification: Uncertain significance. Last evaluated: 2024-10-15. Review status: criteria provided, single submitter. Criteria: Invitae Variant Classification Sherloc (09022015). Collection method: clinical testing. Allele origin: germline.
Comment: This sequence change replaces valine, which is neutral and non-polar, with isoleucine, which is neutral and non-polar, at codon 131 of the ARSG protein (p.Val131Ile). This variant is present in population databases (rs778128173, gnomAD 0.01%). This variant has not been reported in the literature in individuals affected with ARSG-related conditions. ClinVar contains an entry for this variant (Variation ID: 957348). Invitae Evidence Modeling of protein sequence and biophysical properties (such as structural, functional, and spatial information, amino acid conservation, physicochemical variation, residue mobility, and thermodynamic stability) indicates that this missense variant is not expected to disrupt ARSG protein function with a negative predictive value of 80%. In summary, the available evidence is currently insufficient to determine the role of this variant in disease. Therefore, it has been classified as a Variant of Uncertain Significance.